The following is an entry in ClinVar:

ClinVar aggregate classification (germline): Uncertain significance (1 of 4 stars; one submission).

Submission:

GeneDx
Classification: Uncertain significance. Last evaluated: 2025-03-09. Review status: criteria provided, single submitter. Criteria: GeneDx Variant Classification Process June 2021. Collection method: clinical testing. Allele origin: germline. Affected: yes.
Comment: Not observed at significant frequency in large population cohorts (gnomAD); In silico analysis supports that this missense variant has a deleterious effect on protein structure/function; Has not been previously published as pathogenic or benign to our knowledge

NM_057175.5(NAA15):c.215G>A (p.Gly72Asp)

Gene: NAA15 (N-alpha-acetyltransferase 15, NatA auxiliary subunit; plus strand). Cytogenetic location: 4q31.1.
Variant type: single nucleotide variant.
Coding change: c.215G>A on transcript NM_057175.5 (MANE Select); coding-DNA position 215, G replaced by A.
Protein change: p.Gly72Asp; replaces glycine 72 with aspartic acid.
Molecular consequence: missense variant.
Genome position (GRCh38, 1-based): chr4:139,336,923, G>A. VCF-style: chr4-139336923-G-A. GRCh37 (hg19) VCF-style: chr4-140258077-G-A.
Other names: c.215G>A, p.Gly72Asp (NM_001410842.1); short protein forms G72D.
Identifiers: ClinVar variation 4083074 (VCV004083074.1).
Genomic context (GRCh38, chr4:139,336,923, plus strand): 5'-AAGGATTAACATTGAACTGTTTGGGGAAAAAGGAAGAAGCTTATGAATTGGTTCGTAGAG[G>A]TTTGAGAAATGACTTGAAGAGTCATGTGTGTATCCTTTTTGAGATATATTTAAGGTTTGA-3'
Protein context (NP_476516.1, residues 62-82): KEEAYELVRR[Gly72Asp]LRNDLKSHVC